The following is an entry in ClinVar:

ClinVar aggregate classification (germline): Conflicting classifications of pathogenicity. Review status: criteria provided, conflicting classifications (1 of 4 stars). 3 submissions from 3 submitters: Uncertain significance (1); Benign (1); Likely benign (1). Last evaluated 2025-09-02.

Conditions:
Inborn genetic diseases. Identifiers: MedGen C0950123, MeSH D030342.

Allele frequency attached by ClinVar (database versions not stated): ExAC 0.00002; gnomAD 0.00002; gnomAD exomes 0.00002.
gnomAD v4.1: 35 of 1,609,986 alleles (0.0022%); highest among the groups gnomAD compares: Middle Eastern, 0.083%; no homozygotes.

Submissions (3):

Labcorp Genetics (formerly Invitae), Labcorp
Classification: Benign. Last evaluated: 2025-09-02. Review status: criteria provided, single submitter. Criteria: Invitae Variant Classification Sherloc (09022015). Collection method: clinical testing. Allele origin: germline.

CeGaT Center for Human Genetics Tuebingen
Classification: Uncertain significance. Last evaluated: 2025-07-01. Review status: criteria provided, single submitter. Criteria: CeGaT Center For Human Genetics Tuebingen Variant Classification Criteria Version 2. Collection method: clinical testing. Allele origin: germline. Affected: yes. Observed: 3 variant alleles.
Comment: KMT2B: PM2

Ambry Genetics
Classification: Likely benign for Inborn genetic diseases. Last evaluated: 2025-01-23. Review status: criteria provided, single submitter. Criteria: Ambry Variant Classification Scheme 2023. Collection method: clinical testing. Allele origin: germline.

NM_014727.3(KMT2B):c.1769C>T (p.Pro590Leu)

Gene: KMT2B (lysine methyltransferase 2B; plus strand). Cytogenetic location: 19q13.12.
Variant type: single nucleotide variant.
Coding change: c.1769C>T on transcript NM_014727.3 (MANE Select); coding-DNA position 1769, C replaced by T.
Protein change: p.Pro590Leu; replaces proline 590 with leucine.
Molecular consequence: missense variant.
Genome position (GRCh38, 1-based): chr19:35,721,116, C>T. VCF-style: chr19-35721116-C-T. GRCh37 (hg19) VCF-style: chr19-36212018-C-T.
Other names: c.1769C>T (NM_014727.1); short protein forms P590L.
Identifiers: ClinVar variation 2649734 (VCV002649734.28), dbSNP rs781774179, ClinGen allele CA9384294.